The following is an entry in ClinVar:

NM_001008537.3(NEXMIF):c.635C>G (p.Ser212Ter)

Gene: NEXMIF (neurite extension and migration factor; minus strand). Cytogenetic location: Xq13.3.
Variant type: single nucleotide variant.
Coding change: c.635C>G on transcript NM_001008537.3 (MANE Select); coding-DNA position 635, C replaced by G.
Protein change: p.Ser212Ter; replaces serine 212 with a stop codon.
Molecular consequence: nonsense.
Genome position (GRCh38, 1-based): chrX:74,743,922, G>C on the plus strand (C>G on the coding strand, the complement: NEXMIF is on the minus strand). VCF-style: chrX-74743922-G-C. GRCh37 (hg19) VCF-style: chrX-73963757-G-C.
Other names: short protein forms S212*.
Identifiers: ClinVar variation 835200 (VCV000835200.7), dbSNP rs2080117063, ClinGen allele CA413672886.

ClinVar aggregate classification (germline): Pathogenic (1 of 4 stars; one submission).

Submission:

Labcorp Genetics (formerly Invitae), Labcorp
Classification: Pathogenic. Last evaluated: 2024-02-24. Review status: criteria provided, single submitter. Criteria: Invitae Variant Classification Sherloc (09022015). Collection method: clinical testing. Allele origin: germline.
Comment: This sequence change creates a premature translational stop signal (p.Ser212*) in the NEXMIF gene. It is expected to result in an absent or disrupted protein product. Loss-of-function variants in NEXMIF are known to be pathogenic (PMID: 23615299). This variant is not present in population databases (gnomAD no frequency). This variant has not been reported in the literature in individuals affected with NEXMIF-related conditions. ClinVar contains an entry for this variant (Variation ID: 835200). For these reasons, this variant has been classified as Pathogenic.

Literature cited by the submitters: PubMed 23615299.